The following is an entry in ClinVar:

NM_182961.4(SYNE1):c.19624G>A (p.Glu6542Lys)

Gene: SYNE1 (spectrin repeat containing nuclear envelope protein 1; minus strand). Cytogenetic location: 6q25.2.
Variant type: single nucleotide variant.
Coding change: c.19624G>A on transcript NM_182961.4 (MANE Select); coding-DNA position 19624, G replaced by A.
Protein change: p.Glu6542Lys; replaces glutamic acid 6542 with lysine.
Molecular consequence: missense variant.
Genome position (GRCh38, 1-based): chr6:152,244,605, C>T on the plus strand (G>A on the coding strand, the complement: SYNE1 is on the minus strand). VCF-style: chr6-152244605-C-T. GRCh37 (hg19) VCF-style: chr6-152565740-C-T.
Other names: c.19411G>A (NM_033071.3); c.19411G>A, p.Glu6471Lys (NM_033071.5); short protein forms E6542K, E6471K.
Identifiers: ClinVar variation 1435369 (VCV001435369.9), dbSNP rs1290381941, ClinGen allele CA366131085.
Genomic context (GRCh38, chr6:152,244,605, plus strand): 5'-TGGAGAGTTCTTGCATGGACGGCTGCTCGACCTGTAGCTTGTCACCACGCCTCTTTAATT[C>T]AATGATTCCTGCATCAAATTCTTTGAGTCCATCTTCAGCCTGTTGTATTGCCTAAGTAAG-3'
Protein context (NP_892006.3, residues 6532-6552): GLKEFDAGII[Glu6542Lys]LKRRGDKLQV

ClinVar aggregate classification (germline): Uncertain significance. Review status: criteria provided, multiple submitters, no conflicts (2 of 4 stars). 2 submissions from 2 submitters: Uncertain significance (2). Last evaluated 2021-06-21.

Conditions:
Emery-Dreifuss muscular dystrophy 4, autosomal dominant (EDMD4). Also called: EMERY-DREIFUSS MUSCULAR DYSTROPHY 4 WITH VARIABLE FEATURES. Identifiers: Orphanet 261, MedGen C2751807, MONDO:0013071, OMIM 612998.
Autosomal recessive ataxia, Beauce type. Also called: Spinocerebellar ataxia, autosomal recessive 8; ATAXIA, RECESSIVE, OF BEAUCE; SYNE1 Deficiency; SYNE1-Related Autosomal Recessive Cerebellar Ataxia. Identifiers: Orphanet 88644, MedGen C1853116, MONDO:0012549, OMIM 610743.

Allele frequency attached by ClinVar (database versions not stated): gnomAD exomes below 0.00001 and 0.00002; TOPMed below 0.00001.
gnomAD v4.1: 35 of 1,614,014 alleles (0.0022%); highest among the groups gnomAD compares: Non-Finnish European, 0.0029%; no homozygotes.

Submissions (2):

Labcorp Genetics (formerly Invitae), Labcorp
Classification: Uncertain significance for Emery-Dreifuss muscular dystrophy 4, autosomal dominant; Autosomal recessive ataxia, Beauce type. Last evaluated: 2021-06-21. Review status: criteria provided, single submitter. Criteria: Invitae Variant Classification Sherloc (09022015). Collection method: clinical testing. Allele origin: germline.
Comment: In summary, the available evidence is currently insufficient to determine the role of this variant in disease. Therefore, it has been classified as a Variant of Uncertain Significance. Algorithms developed to predict the effect of missense changes on protein structure and function are either unavailable or do not agree on the potential impact of this missense change (SIFT: "Deleterious"; PolyPhen-2: "Benign"; Align-GVGD: "Class C55"). This variant has not been reported in the literature in individuals with SYNE1-related conditions. This variant is not present in population databases (ExAC no frequency). This sequence change replaces glutamic acid with lysine at codon 6471 of the SYNE1 protein (p.Glu6471Lys). The glutamic acid residue is highly conserved and there is a small physicochemical difference between glutamic acid and lysine.

Revvity Omics, Revvity
Classification: Uncertain significance. Last evaluated: 2021-06-01. Review status: criteria provided, single submitter. Criteria: ACMG Guidelines, 2015. Collection method: clinical testing. Allele origin: germline.